The following is an entry in ClinVar:

NM_022464.5(SIL1):c.1302C>G (p.Ser434Arg)

Gene: SIL1 (SIL1 nucleotide exchange factor; minus strand). Cytogenetic location: 5q31.2.
Variant type: single nucleotide variant.
Coding change: c.1302C>G on transcript NM_022464.5 (MANE Select); coding-DNA position 1302, C replaced by G.
Protein change: p.Ser434Arg; replaces serine 434 with arginine.
Molecular consequence: missense variant.
Genome position (GRCh38, 1-based): chr5:138,947,201, G>C on the plus strand (C>G on the coding strand, the complement: SIL1 is on the minus strand). VCF-style: chr5-138947201-G-C. GRCh37 (hg19) VCF-style: chr5-138282890-G-C.
Other names: c.1302C>G, p.Ser434Arg (NM_001037633.2); short protein forms S434R.
Identifiers: ClinVar variation 4682384 (VCV004682384.1).
Genomic context (GRCh38, chr5:138,947,201, plus strand): 5'-GTTGACAGAGCCCAGCAGCTCCTGGAAGTAGCCCTCGTCCTCACCATCCTGCAGCTCCAG[G>C]CTGGCCAGCACCTGGTACTCAGCCTGCAGGCTGGCCAGTGTCCTGCCGAGCTGGGGGTCC-3'
Protein context (NP_071909.1, residues 424-444): SLQAEYQVLA[Ser434Arg]LELQDGEDEG

ClinVar aggregate classification (germline): Uncertain significance (1 of 4 stars; one submission).

Submission:

Athena Diagnostics
Classification: Uncertain significance. Last evaluated: 2025-11-10. Review status: criteria provided, single submitter. Criteria: Athena Diagnostics Criteria. Collection method: clinical testing. Allele origin: unknown.
Comment: Available data are insufficient to determine the clinical significance of the variant at this time. This variant has not been reported in large, multi-ethnic general populations. Polyphen and MutationTaster predict this amino acid change may be benign.